The following is an entry in ClinVar:

NM_000051.4(ATM):c.7321G>A (p.Val2441Ile)

Genes: ATM (ATM serine/threonine kinase; plus strand), C11orf65 (chromosome 11 open reading frame 65; minus strand). Cytogenetic location: 11q22.3.
Variant type: single nucleotide variant.
Coding change: c.7321G>A on transcript NM_000051.4 (MANE Select); coding-DNA position 7321, G replaced by A.
Protein change: p.Val2441Ile; replaces valine 2441 with isoleucine.
Molecular consequence: missense variant. On other transcripts: intron variant (2).
Genome position (GRCh38, 1-based): chr11:108,330,227, G>A. VCF-style: chr11-108330227-G-A. GRCh37 (hg19) VCF-style: chr11-108200954-G-A.
Other names: c.7321G>A, p.Val2441Ile (NM_001351834.2); c.641-21156C>T (NM_001330368.2); c.*38+4993C>T (NM_001351110.2); short protein forms V2441I.
Identifiers: ClinVar variation 3453065 (VCV003453065.1).

ClinVar aggregate classification (germline): Uncertain significance (1 of 4 stars; one submission).

Conditions:
Hereditary cancer-predisposing syndrome. Also called: Tumor predisposition; Hereditary Cancer Syndrome; Neoplastic Syndromes, Hereditary; Hereditary neoplastic syndrome. Identifiers: Orphanet 140162, MedGen C0027672, MeSH D009386, MONDO:0015356.

Submission:

Ambry Genetics
Classification: Uncertain significance for Hereditary cancer-predisposing syndrome. Last evaluated: 2024-12-06. Review status: criteria provided, single submitter. Criteria: Ambry Variant Classification Scheme 2023. Collection method: clinical testing. Allele origin: germline.
Comment: The p.V2441I variant (also known as c.7321G>A), located in coding exon 49 of the ATM gene, results from a G to A substitution at nucleotide position 7321. The valine at codon 2441 is replaced by isoleucine, an amino acid with highly similar properties. This amino acid position is conserved. In addition, this alteration is predicted to be tolerated by in silico analysis. Based on the available evidence, the clinical significance of this variant remains unclear.